The following is an entry in ClinVar:

ClinVar aggregate classification (germline): Uncertain significance (1 of 4 stars; one submission).

Submission:

GeneDx
Classification: Uncertain significance. Last evaluated: 2023-11-07. Review status: criteria provided, single submitter. Criteria: GeneDx Variant Classification Process June 2021. Collection method: clinical testing. Allele origin: germline. Affected: yes.
Comment: Not observed at significant frequency in large population cohorts (gnomAD); In silico analysis supports that this missense variant has a deleterious effect on protein structure/function; Has not been previously published as pathogenic or benign to our knowledge

NM_194454.3(KRIT1):c.1816A>G (p.Lys606Glu)

Gene: KRIT1 (KRIT1 ankyrin repeat containing; minus strand). Cytogenetic location: 7q21.2.
Variant type: single nucleotide variant.
Coding change: c.1816A>G on transcript NM_194454.3 (MANE Select); coding-DNA position 1816, A replaced by G.
Protein change: p.Lys606Glu; replaces lysine 606 with glutamic acid.
Molecular consequence: missense variant.
Genome position (GRCh38, 1-based): chr7:92,213,894, T>C on the plus strand (A>G on the coding strand, the complement: KRIT1 is on the minus strand). VCF-style: chr7-92213894-T-C. GRCh37 (hg19) VCF-style: chr7-91843208-T-C.
Other names: c.1672A>G, p.Lys558Glu (NM_001013406.2, NM_001350669.1, NM_001350670.1); c.1102A>G, p.Lys368Glu (NM_001350671.1); c.1816A>G, p.Lys606Glu (NM_001350672.1, NM_001350673.1, NM_001350674.1 and 26 more transcripts); short protein forms K368E, K558E, K606E.
Identifiers: ClinVar variation 3364012 (VCV003364012.1).